The following is an entry in ClinVar:

NM_000465.4(BARD1):c.745A>G (p.Ile249Val)

Gene: BARD1 (BRCA1 associated RING domain 1; minus strand). Cytogenetic location: 2q35.
Variant type: single nucleotide variant.
Coding change: c.745A>G on transcript NM_000465.4 (MANE Select); coding-DNA position 745, A replaced by G.
Protein change: p.Ile249Val; replaces isoleucine 249 with valine.
Molecular consequence: missense variant. On other transcripts: non-coding transcript variant (2), intron variant (3).
Genome position (GRCh38, 1-based): chr2:214,781,129, T>C on the plus strand (A>G on the coding strand, the complement: BARD1 is on the minus strand). VCF-style: chr2-214781129-T-C. GRCh37 (hg19) VCF-style: chr2-215645853-T-C.
Other names: c.688A>G, p.Ile230Val (NM_001282543.2); c.158+28283A>G (NM_001282548.2); c.215+15932A>G (NM_001282545.2); c.364+11168A>G (NM_001282549.2); short protein forms I230V, I249V.
Identifiers: ClinVar variation 650521 (VCV000650521.13), dbSNP rs745462573, ClinGen allele CA2090388.

ClinVar aggregate classification (germline): Conflicting classifications of pathogenicity. Review status: criteria provided, conflicting classifications (1 of 4 stars). 3 submissions from 3 submitters: Uncertain significance (2); Likely benign (1). Last evaluated 2025-12-16.

Conditions:
Familial cancer of breast. Also called: hereditary breast carcinoma; Hereditary breast cancer; BREAST CANCER, FAMILIAL. Identifiers: Orphanet 227535, MedGen C0346153, MONDO:0016419, OMIM 114480. Disease mechanism: loss of function.
Hereditary cancer-predisposing syndrome. Also called: Neoplastic Syndromes, Hereditary; Tumor predisposition; Hereditary Cancer Syndrome; Hereditary neoplastic syndrome. Identifiers: Orphanet 140162, MedGen C0027672, MeSH D009386, MONDO:0015356.

Allele frequency attached by ClinVar (database versions not stated): gnomAD exomes below 0.00001; ExAC 0.00001.
gnomAD v4.1: 1 of 1,575,904 alleles (0.000063%); highest among the groups gnomAD compares: Non-Finnish European, 0.000086%; no homozygotes.

Submissions (3):

Labcorp Genetics (formerly Invitae), Labcorp
Classification: Uncertain significance for Familial cancer of breast. Last evaluated: 2025-12-16. Review status: criteria provided, single submitter. Criteria: Invitae Variant Classification Sherloc (09022015). Collection method: clinical testing. Allele origin: germline.
Comment: This sequence change replaces isoleucine, which is neutral and non-polar, with valine, which is neutral and non-polar, at codon 249 of the BARD1 protein (p.Ile249Val). This variant is present in population databases (rs745462573, gnomAD 0.001%). This variant has not been reported in the literature in individuals affected with BARD1-related conditions. ClinVar contains an entry for this variant (Variation ID: 650521). An algorithm developed to predict the effect of missense changes on protein structure and function (PolyPhen-2) suggests that this variant is likely to be tolerated. Experimental studies have shown that this missense change does not substantially affect BARD1 function (PMID: 30925164). In summary, the available evidence is currently insufficient to determine the role of this variant in disease. Therefore, it has been classified as a Variant of Uncertain Significance.

GeneDx
Classification: Uncertain significance. Last evaluated: 2024-03-18. Review status: criteria provided, single submitter. Criteria: GeneDx Variant Classification Process June 2021. Collection method: clinical testing. Allele origin: germline. Affected: yes.
Comment: Not observed at significant frequency in large population cohorts (gnomAD); In silico analysis supports that this missense variant does not alter protein structure/function; Published functional studies demonstrate no effect on homology-directed repair (HDR) activity in vitro (PMID: 30925164); This variant is associated with the following publications: (PMID: 36922933, 30925164)

Ambry Genetics
Classification: Likely benign for Hereditary cancer-predisposing syndrome. Last evaluated: 2021-04-27. Review status: criteria provided, single submitter. Criteria: Ambry Variant Classification Scheme 2023. Collection method: clinical testing. Allele origin: germline.

Literature cited by the submitters: PubMed 30925164 (cited by Labcorp Genetics (formerly Invitae), Labcorp and Ambry Genetics).